The following continues an entry in ClinVar:

NM_000500.9(CYP21A2):c.518T>A (p.Ile173Asn)

ClinVar aggregate classification (germline): Pathogenic. Pathogenic (23).

Submissions 11 to 28 of 28:

Newborn Screening Ontario, Children's Hospital of Eastern Ontario (CHEO)
Classification: Pathogenic for 21-Hydroxylase-Deficient Congenital Adrenal Hyperplasia. Last evaluated: 2023-06-15. Review status: criteria provided, single submitter. Criteria: ACMG Guidelines, 2015. Collection method: clinical testing. Allele origin: germline. Inheritance: Autosomal recessive inheritance.

Department of Pathology and Laboratory Medicine, Sinai Health System
Classification: Pathogenic for 21-Hydroxylase-Deficient Congenital Adrenal Hyperplasia. Last evaluated: 2023-04-03. Review status: criteria provided, single submitter. Criteria: ACMG Guidelines, 2015. Collection method: research. Allele origin: germline.

Women's Health and Genetics/Laboratory Corporation of America, LabCorp
Classification: Pathogenic for Congenital adrenal hyperplasia. Last evaluated: 2023-03-15. Review status: criteria provided, single submitter. Criteria: LabCorp Variant Classification Summary - May 2015. Collection method: clinical testing. Allele origin: germline.
Comment: Variant summary: CYP21A2 c.518T>A (p.Ile173Asn, aka. I172N) results in a non-conservative amino acid change in the encoded protein sequence. Five of five in-silico tools predict a damaging effect of the variant on protein function. The variant allele was found at a frequency of 0.00048 in 249434 control chromosomes (gnomAD). c.518T>A has been reported in the literature in numerous homozygous and compound heterozygous individuals affected with the classic salt-wasting, simple virilizing, and non-classic forms of Congenital Adrenal Hyperplasia (see e.g. Amor_1988, Dolzan_2005, Simonetti_2018, Xu_2019). These data indicate that the variant is very likely to be associated with disease. Publications also reported experimental evidence evaluating an impact on protein function, and demonstrated severely reduced enzyme activity (e.g. Tusie-Luna_1990, Chiou_1990, Xu_2019). 13 clinical diagnostic laboratories have submitted clinical-significance assessments for this variant to ClinVar after, and all laboratories classified the variant as pathogenic. Based on the evidence outlined above, the variant was classified as pathogenic.

Clinical Genetics Laboratory, Skane University Hospital Lund
Classification: Pathogenic. Last evaluated: 2022-08-18. Review status: criteria provided, single submitter. Criteria: ACMG Guidelines, 2015. Collection method: clinical testing. Allele origin: germline. Affected: yes.

Provincial Medical Genetics Program of British Columbia, University of British Columbia
Classification: Pathogenic for 21-Hydroxylase-Deficient Congenital Adrenal Hyperplasia. Last evaluated: 2022-01-01. Review status: criteria provided, single submitter. Criteria: ACMG Guidelines, 2015. Collection method: clinical testing. Allele origin: germline. Affected: yes.

Myriad Genetics, Inc.
Classification: Pathogenic for 21-Hydroxylase-Deficient Congenital Adrenal Hyperplasia. Last evaluated: 2019-12-20. Review status: criteria provided, single submitter. Criteria: Myriad Women's Health Autosomal Recessive and X-Linked Classification Criteria (2019). Collection method: clinical testing. Allele origin: unknown.
Comment: NM_000500.7(CYP21A2):c.518T>A(I173N) is classified as pathogenic in the context of congenital adrenal hyperplasia and is associated with the classic form of the disease. Sources cited for classification include the following: PMID 24667412, 21098686, 24671123, 23359698, 22270556, 19750867 and 3257825. Classification of NM_000500.7(CYP21A2):c.518T>A(I173N) is based on the following criteria: This is a well-established pathogenic variant in the literature that has been observed more frequently in patients with clinical diagnoses than in healthy populations. Please note: this variant was assessed in the context of healthy population screening.

Equipe Genetique des Anomalies du Developpement, Université de Bourgogne
Classification: Pathogenic for 21-Hydroxylase-Deficient Congenital Adrenal Hyperplasia. Last evaluated: 2018-11-21. Review status: criteria provided, single submitter. Criteria: ACMG Guidelines, 2015. Collection method: clinical testing. Allele origin: unknown.

Fulgent Genetics
Classification: Pathogenic for 21-Hydroxylase-Deficient Congenital Adrenal Hyperplasia. Last evaluated: 2018-10-31. Review status: criteria provided, single submitter. Criteria: ACMG Guidelines, 2015. Collection method: clinical testing. Allele origin: unknown.

Eurofins Ntd Llc (ga)
Classification: Pathogenic. Last evaluated: 2018-07-20. Review status: criteria provided, single submitter. Criteria: EGL ClinVar v180209 classification definitions. Collection method: clinical testing. Allele origin: germline. Observed: 3 variant alleles, 1 heterozygote, 2 homozygotes.

Genomic Research Center, Shahid Beheshti University of Medical Sciences
Classification: Pathogenic for Classic congenital adrenal hyperplasia due to 21-hydroxylase deficiency. Last evaluated: 2018-03-05. Review status: criteria provided, single submitter. Criteria: ACMG Guidelines, 2015. Collection method: clinical testing. Allele origin: inherited. Affected: no. Observed: 1 variant allele.

Clinical Genetics and Genomics, Karolinska University Hospital
Classification: Pathogenic. Last evaluated: 2015-11-09. Review status: criteria provided, single submitter. Criteria: ACMG Guidelines, 2015. Collection method: clinical testing. Allele origin: germline. Affected: yes. Observed: 43 variant alleles.

Juno Genomics, Hangzhou Juno Genomics, Inc
Classification: Pathogenic for 21-Hydroxylase-Deficient Congenital Adrenal Hyperplasia. Review status: criteria provided, single submitter. Criteria: ACMG Guidelines, 2015. Collection method: clinical testing. Allele origin: germline. Affected: yes.
Comment: For recessive disorders, detected in trans with a pathogenic variant.;Patient's phenotype or family history is highly specific for a disease with a single genetic etiology.;Well-established in vitro or in vivo functional studies supportive of a damaging effect on the gene or gene product.

Neuberg Centre For Genomic Medicine, NCGM
Classification: Pathogenic for 21-Hydroxylase-Deficient Congenital Adrenal Hyperplasia. Review status: criteria provided, single submitter. Criteria: ACMG Guidelines, 2015. Collection method: clinical testing. Allele origin: germline. Inheritance: Autosomal dominant inheritance. Affected: yes.
Comment: The above variant has been previously reported in multiple individuals affected with CYP21A2 related disorder (Simonetti L, et al., 2018; Xu C, et al., 2019). Experimental evidence shows an impact on protein function, and demonstrated severely reduced enzyme activity (Xu C, et al. 2019). For these reasons, this variant has been classified as Pathogenic.

Zotz-Klimas Genetics Lab, MVZ Zotz Klimas
Classification: Pathogenic for 21-Hydroxylase-Deficient Congenital Adrenal Hyperplasia. Last evaluated: 2023-10-30. Review status: no assertion criteria provided. Collection method: clinical testing. Allele origin: germline. Affected: yes. Not counted in ClinVar's aggregate classification.

OMIM
Classification: Pathogenic for ADRENAL HYPERPLASIA, CONGENITAL, DUE TO 21-HYDROXYLASE DEFICIENCY, CLASSIC TYPE. Last evaluated: 1997-07-01. Review status: no assertion criteria provided. Collection method: literature only. Allele origin: germline. Not counted in ClinVar's aggregate classification.

GeneReviews
No classification provided. Condition: 21-Hydroxylase-Deficient Congenital Adrenal Hyperplasia. Review status: no classification provided. Collection method: literature only. Allele origin: unknown. Not counted in ClinVar's aggregate classification.

Lifecell International Pvt. Ltd
Classification: Pathogenic for 21-Hydroxylase-Deficient Congenital Adrenal Hyperplasia. Review status: no assertion criteria provided. Collection method: clinical testing. Allele origin: germline. Inheritance: Autosomal recessive inheritance. Affected: yes. Observed: 1 variant allele, 1 homozygote. Not counted in ClinVar's aggregate classification.
Comment: This variant in exon 4 of the CYP21A2 gene results in the amino acid substitution from Isoleucine to Asparagine at codon 173 (p.Ile173Asn) with the sequence change of c.518T>A (NM_000500.7). The observed variant has a minor allele frequency of 0.000798722 and 0.0005771 in the 1000G database and gnomAD database respectively. The nucleotide is predicted conserved by GERP++ and PhyloP and the in-silico predictions by MutationTaster and SIFT are damaging. This variant lies in the p450 domain of CP21A_HUMAN protein. This variant (also referred as Ile172Asn) has been previously reported for congenital adrenal hyperplasia (Amor et al., 1988;PMID: 3257825, Speiser et al., 1992;PMID: 1644925, New et al., 2013;PMID: 23359698). Experimental studies have shown that this variant results in abnormal protein function (Tusie-Luna et al., 1990;PMID: 2249999, Chiou et al., 1990;PMID: 2303461, BrÃƒÂ¸nstad et al., 2014;PMID: 24671123).

Genomic Medicine Center of Excellence, King Faisal Specialist Hospital and Research Centre
Classification: Uncertain significance for 21-Hydroxylase-Deficient Congenital Adrenal Hyperplasia. Last evaluated: 2024-04-04. Review status: flagged submission. Criteria: ACMG Guidelines, 2015. Collection method: clinical testing. Allele origin: germline. Not counted in ClinVar's aggregate classification.
ClinVar note: Reason: Outlier claim with insufficient supporting evidence

Literature cited by the submitters: PubMed 3257825 (cited by 8 submitters); PubMed 8698338 (cited by Labcorp Genetics (formerly Invitae), Labcorp); PubMed 23359698 (cited by 4 submitters); PubMed 26804566 (cited by Labcorp Genetics (formerly Invitae), Labcorp); PubMed 30968594 (cited by Labcorp Genetics (formerly Invitae), Labcorp and Women's Health and Genetics/Laboratory Corporation of America, LabCorp); PubMed 2249999 (cited by 4 submitters); PubMed 16075929 (cited by 3 submitters); PubMed 35094236 (cited by Ambry Genetics); PubMed 36992809 (cited by Ambry Genetics); PubMed 38925455 (cited by Ambry Genetics); PubMed 24671123 (cited by 4 submitters); PubMed 17042033 (cited by Athena Diagnostics and Quest Diagnostics Nichols Institute San Juan Capistrano); PubMed 14513879 (cited by Athena Diagnostics and Quest Diagnostics Nichols Institute San Juan Capistrano); PubMed 25501839 (cited by Athena Diagnostics and Quest Diagnostics Nichols Institute San Juan Capistrano); PubMed 24667412 (cited by 3 submitters); PubMed 31586465 (cited by 3 submitters); PubMed 23359706 (cited by Athena Diagnostics and Quest Diagnostics Nichols Institute San Juan Capistrano); PubMed 22270556 (cited by 3 submitters); PubMed 21098686 (cited by 3 submitters); PubMed 19750867 (cited by 3 submitters); PubMed 8112748 (cited by Athena Diagnostics and Quest Diagnostics Nichols Institute San Juan Capistrano); PubMed 2303461 (cited by Women's Health and Genetics/Laboratory Corporation of America, LabCorp and OMIM); PubMed 15994751 (cited by Women's Health and Genetics/Laboratory Corporation of America, LabCorp); PubMed 29035424 (cited by Women's Health and Genetics/Laboratory Corporation of America, LabCorp); PubMed 1937474 (cited by OMIM); PubMed 1496017 (cited by OMIM); PubMed 1644925 (cited by OMIM); PubMed 8175971 (cited by OMIM); PubMed 8081391 (cited by OMIM); PubMed 9215318 (cited by OMIM); PubMed 20301350 (cited by GeneReviews); NCBI Bookshelf NBK1171 (cited by GeneReviews).